The following is an entry in ClinVar:

ClinVar aggregate classification (germline): Conflicting classifications of pathogenicity. Review status: criteria provided, conflicting classifications (1 of 4 stars). 3 submissions from 3 submitters: Uncertain significance (1); Benign (1). 1 of the submissions does not count toward it. Last evaluated 2024-05-27.

Conditions:
GRIN2B-related disorder. Also called: GRIN2B-related condition.
Intellectual developmental disorder, autosomal dominant 6, with or without seizures. Also called: Intellectual disability, autosomal dominant 6; GRIN2B-related developmental delay, intellectual disability and autism spectrum disorder. Identifiers: Orphanet 589547, MedGen C3151411, MONDO:0013509, OMIM 613970.
Developmental and epileptic encephalopathy, 27 (DEE27). Also called: Epileptic encephalopathy, early infantile, 27; GRIN2B-Related Neurodevelopmental Disorder. Identifiers: Orphanet 3451, MedGen C4015316, MONDO:0014505, OMIM 616139.

Allele frequency attached by ClinVar (database versions not stated): ExAC 0.00005; TOPMed 0.00002; gnomAD 0.00003 and 0.00004; gnomAD exomes 0.00003 and 0.00002.
gnomAD v4.1: 36 of 1,613,918 alleles (0.0022%); highest among the groups gnomAD compares: Non-Finnish European, 0.0021%; no homozygotes.

Submissions (3):

Labcorp Genetics (formerly Invitae), Labcorp
Classification: Benign for Developmental and epileptic encephalopathy, 27; Intellectual developmental disorder, autosomal dominant 6, with or without seizures. Last evaluated: 2024-05-27. Review status: criteria provided, single submitter. Criteria: Invitae Variant Classification Sherloc (09022015). Collection method: clinical testing. Allele origin: germline.

CeGaT Center for Human Genetics Tuebingen
Classification: Uncertain significance. Last evaluated: 2023-09-01. Review status: criteria provided, single submitter. Criteria: CeGaT Center For Human Genetics Tuebingen Variant Classification Criteria Version 2. Collection method: clinical testing. Allele origin: germline. Affected: yes. Observed: 1 variant allele.
Comment: GRIN2B: PP2, BP4

PreventionGenetics, part of Exact Sciences
Classification: Likely benign for GRIN2B-related condition. Last evaluated: 2023-09-05. Review status: no assertion criteria provided. Collection method: clinical testing. Allele origin: germline. Not counted in ClinVar's aggregate classification.
Comment: This variant is classified as likely benign based on ACMG/AMP sequence variant interpretation guidelines (Richards et al. 2015 PMID: 25741868, with internal and published modifications).

NM_000834.5(GRIN2B):c.275G>A (p.Arg92Gln)

Gene: GRIN2B (glutamate ionotropic receptor NMDA type subunit 2B; minus strand). Cytogenetic location: 12p13.1.
Variant type: single nucleotide variant.
Coding change: c.275G>A on transcript NM_000834.5 (MANE Select); coding-DNA position 275, G replaced by A.
Protein change: p.Arg92Gln; replaces arginine 92 with glutamine.
Molecular consequence: missense variant.
Genome position (GRCh38, 1-based): chr12:13,865,934, C>T on the plus strand (G>A on the coding strand, the complement: GRIN2B is on the minus strand). VCF-style: chr12-13865934-C-T. GRCh37 (hg19) VCF-style: chr12-14018868-C-T.
Other names: short protein forms R92Q.
Identifiers: ClinVar variation 939740 (VCV000939740.34), dbSNP rs201966022, ClinGen allele CA6461438.